The following is an entry in ClinVar:

NM_024301.5(FKRP):c.61C>T (p.Leu21Phe)

Gene: FKRP (fukutin related protein; plus strand). Cytogenetic location: 19q13.32.
Variant type: single nucleotide variant.
Coding change: c.61C>T on transcript NM_024301.5 (MANE Select); coding-DNA position 61, C replaced by T.
Protein change: p.Leu21Phe; replaces leucine 21 with phenylalanine.
Molecular consequence: missense variant.
Genome position (GRCh38, 1-based): chr19:46,755,511, C>T. VCF-style: chr19-46755511-C-T. GRCh37 (hg19) VCF-style: chr19-47258768-C-T.
Other names: c.61C>T, p.Leu21Phe (NM_001039885.3); short protein forms L21F.
Identifiers: ClinVar variation 1752168 (VCV001752168.2), dbSNP rs2054889669, ClinGen allele CA406494585.
Genomic context (GRCh38, chr19:46,755,511, plus strand): 5'-ATGCGGCTCACCCGCTGCCAGGCTGCCCTGGCGGCCGCCATCACCCTCAACCTTCTGGTC[C>T]TCTTCTATGTCTCGTGGCTGCAGCACCAGCCTAGGAATTCCCGGGCCCGGGGGCCCCGTC-3'
Protein context (NP_077277.1, residues 11-31): AAAITLNLLV[Leu21Phe]FYVSWLQHQP

ClinVar aggregate classification (germline): Uncertain significance (1 of 4 stars; one submission).

Conditions:
Cardiovascular phenotype. Identifiers: MedGen CN230736.

Allele frequency attached by ClinVar (database versions not stated): gnomAD exomes below 0.00001; gnomAD 0.00001.

Submission:

Ambry Genetics
Classification: Uncertain significance for Cardiovascular phenotype. Last evaluated: 2019-03-25. Review status: criteria provided, single submitter. Criteria: Ambry Variant Classification Scheme 2023. Collection method: clinical testing. Allele origin: germline.
Comment: The p.L21F variant (also known as c.61C>T), located in coding exon 1 of the FKRP gene, results from a C to T substitution at nucleotide position 61. The leucine at codon 21 is replaced by phenylalanine, an amino acid with highly similar properties. This amino acid position is not well conserved in available vertebrate species, and phenylalanine is the reference amino acid in other vertebrate species. In addition, this alteration is predicted to be tolerated by in silico analysis. Since supporting evidence is limited at this time, the clinical significance of this alteration remains unclear.